The following is an entry in ClinVar:

NM_005881.4(BCKDK):c.355_356insC (p.Asn119fs)

Gene: BCKDK (branched chain keto acid dehydrogenase kinase; plus strand). Cytogenetic location: 16p11.2.
Variant type: Insertion.
Coding change: c.355_356insC on transcript NM_005881.4 (MANE Select); coding-DNA positions 355 to 356, C inserted.
Protein change: p.Asn119fs; shifts the reading frame from asparagine 119.
Molecular consequence: frameshift variant.
Genome position: GRCh38 VCF-style: chr16-31109763-A-AC. GRCh37 (hg19) VCF-style: chr16-31121084-A-AC.
Other names: c.355_356insC, p.Asn119fs (NM_001122957.4, NM_001271926.3); short protein forms N119fs.
Identifiers: ClinVar variation 4294340 (VCV004294340.1).

ClinVar aggregate classification (germline): Pathogenic (1 of 4 stars; one submission).

Conditions:
Branched-chain keto acid dehydrogenase kinase deficiency (BCKDKD). Also called: BCKDK DEFICIENCY. Identifiers: Orphanet 308410, MedGen C3554078, MONDO:0013970, OMIM 614923.

Submission:

KaryoGen Clinical Genetics Laboratory, Isfahan University of Medical Sciences
Classification: Pathogenic for Branched-chain keto acid dehydrogenase kinase deficiency. Last evaluated: 2025-10-17. Review status: criteria provided, single submitter. Criteria: ACMG Guidelines, 2015. Collection method: clinical testing. Allele origin: inherited. Inheritance: Autosomal recessive inheritance. Affected: yes. Observed: 1 variant allele, 1 homozygote.
Comment: The BCKDK c.355_356insC (p.Thr121HisfsTer7) variant is a single-nucleotide insertion that causes a frameshift and a premature termination codon upstream of the HKD domain. This change is predicted to lead to loss of normal protein function through truncation or nonsense-mediated mRNA decay. Loss of function of BCKDK is a well-established mechanism for BCKDK deficiency, fulfilling the PVS1 criterion (very strong). The variant is absent from large population databases such as gnomAD, satisfying the PM2 criterion (moderate). The phenotype of the patient is highly consistent with the phenotype of BCKDK deficiency, supporting the PP4 criterion (supporting).